The following is an entry in ClinVar:

ClinVar aggregate classification (germline): Uncertain significance (1 of 4 stars; one submission).

Allele frequency attached by ClinVar (database versions not stated): ExAC 0.00002; TOPMed 0.00002; ESP Exome Variant Server 0.00008.
gnomAD v4.1: 12 of 1,613,124 alleles (0.00074%); highest among the groups gnomAD compares: Non-Finnish European, 0.001%; no homozygotes.

Submission:

Labcorp Genetics (formerly Invitae), Labcorp
Classification: Uncertain significance. Last evaluated: 2022-03-27. Review status: criteria provided, single submitter. Criteria: Invitae Variant Classification Sherloc (09022015). Collection method: clinical testing. Allele origin: germline.
Comment: This sequence change replaces cysteine, which is neutral and slightly polar, with tyrosine, which is neutral and polar, at codon 5 of the PCYT1A protein (p.Cys5Tyr). This variant is present in population databases (rs374200334, gnomAD 0.002%). This variant has not been reported in the literature in individuals affected with PCYT1A-related conditions. Advanced modeling of protein sequence and biophysical properties (such as structural, functional, and spatial information, amino acid conservation, physicochemical variation, residue mobility, and thermodynamic stability) performed at Invitae indicates that this missense variant is not expected to disrupt PCYT1A protein function. In summary, the available evidence is currently insufficient to determine the role of this variant in disease. Therefore, it has been classified as a Variant of Uncertain Significance.

NM_001312673.2(PCYT1A):c.14G>A (p.Cys5Tyr)

Gene: PCYT1A (phosphate cytidylyltransferase 1A, choline; minus strand). Cytogenetic location: 3q29.
Variant type: single nucleotide variant.
Coding change: c.14G>A on transcript NM_001312673.2 (MANE Select); coding-DNA position 14, G replaced by A.
Protein change: p.Cys5Tyr; replaces cysteine 5 with tyrosine.
Molecular consequence: missense variant.
Genome position (GRCh38, 1-based): chr3:196,270,518, C>T on the plus strand (G>A on the coding strand, the complement: PCYT1A is on the minus strand). VCF-style: chr3-196270518-C-T. GRCh37 (hg19) VCF-style: chr3-195997389-C-T.
Other names: c.14G>A, p.Cys5Tyr (NM_005017.4); short protein forms C5Y.
Identifiers: ClinVar variation 1977185 (VCV001977185.2), dbSNP rs374200334, ClinGen allele CA2779671.